The following is an entry in ClinVar:

ClinVar aggregate classification (germline): Likely pathogenic (1 of 4 stars; one submission).

Submission:

Labcorp Genetics (formerly Invitae), Labcorp
Classification: Likely pathogenic. Last evaluated: 2021-07-03. Review status: criteria provided, single submitter. Criteria: Invitae Variant Classification Sherloc (09022015). Collection method: clinical testing. Allele origin: germline.
Comment: In summary, the currently available evidence indicates that the variant is pathogenic, but additional data are needed to prove that conclusively. Therefore, this variant has been classified as Likely Pathogenic. This variant disrupts the C-terminus of the ERCC6 protein. Other variant(s) that disrupt this region (p.Arg1394Glufs*6) have been observed in individuals with ERCC6-related conditions (PMID: 29572252). This suggests that this may be a clinically significant region of the protein. This premature translational stop signal has been observed in individual(s) with clinical features of Cockayne syndrome (PMID: 27004399). In at least one individual the data is consistent with the variant being in trans (on the opposite chromosome) from a pathogenic variant. This variant is not present in population databases (ExAC no frequency). This sequence change creates a premature translational stop signal (p.Gly1372Glufs*22) in the ERCC6 gene. While this is not anticipated to result in nonsense mediated decay, it is expected to disrupt the last 122 amino acid(s) of the ERCC6 protein.

Literature cited by the submitters: PubMed 29572252; PubMed 27004399.

NM_000124.4(ERCC6):c.4115del (p.Gly1372fs)

Gene: ERCC6 (ERCC excision repair 6, chromatin remodeling factor; minus strand). Cytogenetic location: 10q11.23.
Variant type: Deletion.
Coding change: c.4115del on transcript NM_000124.4 (MANE Select); coding-DNA position 4115, one base deleted (G; older notation c.4115delG).
Protein change: p.Gly1372fs; shifts the reading frame from glycine 1372.
Molecular consequence: frameshift variant.
Genome position (GRCh38, 1-based): chr10:49,459,182, C deleted on the plus strand (G on the coding strand, the reverse complement: ERCC6 is on the minus strand); the first of 2 consecutive C bases (chr10:49,459,182-49,459,183); deleting either gives the same sequence. VCF-style (leftmost placement, unchanged base first): chr10-49459181-TC-T. GRCh37 (hg19) VCF-style: chr10-50667227-TC-T.
Other names: c.4115del, p.Gly1372fs (NM_001346440.2); short protein forms G1372fs.
Identifiers: ClinVar variation 1502148 (VCV001502148.6), dbSNP rs2132523961, ClinGen allele CA2573145158.
Genomic context (GRCh38, chr10:49,459,181, plus strand): 5'-TTTAGCCAAGAGTGAGGAGGAAGCGAGGGGCCCGGATGAAGAGTCTGCATCTTCTGCTCT[TC>T]CACTAAAATGCTCAGGGACATTATCTTTTCCCTCCTTTTTCATGATGCCATCCTATAAAA-3'